The following is an entry in ClinVar:

NM_152383.5(DIS3L2):c.1993T>A (p.Cys665Ser)

Gene: DIS3L2 (DIS3 like 3'-5' exoribonuclease 2; plus strand). Cytogenetic location: 2q37.1.
Variant type: single nucleotide variant.
Coding change: c.1993T>A on transcript NM_152383.5 (MANE Select); coding-DNA position 1993, T replaced by A.
Protein change: p.Cys665Ser; replaces cysteine 665 with serine.
Molecular consequence: missense variant. On other transcripts: non-coding transcript variant (2), intron variant (1).
Genome position (GRCh38, 1-based): chr2:232,330,759, T>A. VCF-style: chr2-232330759-T-A. GRCh37 (hg19) VCF-style: chr2-233195469-T-A.
Other names: c.1582-12586T>A (NM_001257281.2); short protein forms C665S.
Identifiers: ClinVar variation 1009057 (VCV001009057.8), dbSNP rs1695712077, ClinGen allele CA350976727.
Genomic context (GRCh38, chr2:232,330,759, plus strand): 5'-ACCCAAACATTTGGAGATGACAAGTACTCACTGGCCCGCAAGGAGGTGCTCACCAACATG[T>A]GCTCCCGGCCCATGCAGGTAAGGAGGGCCCAGCCCCGGCCTCCCCTGCTCCCAGGAGCAC-3'
Protein context (NP_689596.4, residues 655-675): LARKEVLTNM[Cys665Ser]SRPMQMALYF

ClinVar aggregate classification (germline): Uncertain significance (1 of 4 stars; one submission).

Conditions:
Perlman syndrome (PRLMNS). Identifiers: Orphanet 2849, MedGen C0796113, MONDO:0009965, OMIM 267000.

Allele frequency attached by ClinVar (database versions not stated): gnomAD exomes below 0.00001.
gnomAD v4.1: 1 of 1,612,244 alleles (0.000062%); highest among the groups gnomAD compares: Non-Finnish European, 0.000085%; no homozygotes.

Submission:

Labcorp Genetics (formerly Invitae), Labcorp
Classification: Uncertain significance for Perlman syndrome. Last evaluated: 2023-10-10. Review status: criteria provided, single submitter. Criteria: Invitae Variant Classification Sherloc (09022015). Collection method: clinical testing. Allele origin: germline.
Comment: This sequence change replaces cysteine, which is neutral and slightly polar, with serine, which is neutral and polar, at codon 665 of the DIS3L2 protein (p.Cys665Ser). This variant is not present in population databases (gnomAD no frequency). This variant has not been reported in the literature in individuals affected with DIS3L2-related conditions. ClinVar contains an entry for this variant (Variation ID: 1009057). Advanced modeling of protein sequence and biophysical properties (such as structural, functional, and spatial information, amino acid conservation, physicochemical variation, residue mobility, and thermodynamic stability) performed at Invitae indicates that this missense variant is not expected to disrupt DIS3L2 protein function. In summary, the available evidence is currently insufficient to determine the role of this variant in disease. Therefore, it has been classified as a Variant of Uncertain Significance.